The following is an entry in ClinVar:

ClinVar aggregate classification (germline): Uncertain significance (1 of 4 stars; one submission).

Allele frequency attached by ClinVar (database versions not stated): ESP Exome Variant Server 0.00008.

Submission:

Labcorp Genetics (formerly Invitae), Labcorp
Classification: Uncertain significance. Last evaluated: 2025-06-20. Review status: criteria provided, single submitter. Criteria: Invitae Variant Classification Sherloc (09022015). Collection method: clinical testing. Allele origin: germline.
Comment: This sequence change replaces glutamic acid, which is acidic and polar, with glutamine, which is neutral and polar, at codon 353 of the PDHX protein (p.Glu353Gln). This variant is not present in population databases (gnomAD no frequency). This variant has not been reported in the literature in individuals affected with PDHX-related conditions. ClinVar contains an entry for this variant (Variation ID: 1443365). Invitae Evidence Modeling of protein sequence and biophysical properties (such as structural, functional, and spatial information, amino acid conservation, physicochemical variation, residue mobility, and thermodynamic stability) indicates that this missense variant is not expected to disrupt PDHX protein function with a negative predictive value of 80%. In summary, the available evidence is currently insufficient to determine the role of this variant in disease. Therefore, it has been classified as a Variant of Uncertain Significance.

NM_003477.3(PDHX):c.1057G>C (p.Glu353Gln)

Gene: PDHX (pyruvate dehydrogenase complex component X; plus strand). Cytogenetic location: 11p13.
Variant type: single nucleotide variant.
Coding change: c.1057G>C on transcript NM_003477.3 (MANE Select); coding-DNA position 1057, G replaced by C.
Protein change: p.Glu353Gln; replaces glutamic acid 353 with glutamine.
Molecular consequence: missense variant.
Genome position (GRCh38, 1-based): chr11:34,984,603, G>C. VCF-style: chr11-34984603-G-C. GRCh37 (hg19) VCF-style: chr11-35006150-G-C.
Other names: c.877G>C, p.Glu293Gln (NM_001135024.2); c.376G>C, p.Glu126Gln (NM_001166158.2); short protein forms E353Q, E126Q, E293Q.
Identifiers: ClinVar variation 1443365 (VCV001443365.6), dbSNP rs149705022, ClinGen allele CA220472341.
Genomic context (GRCh38, chr11:34,984,603, plus strand): 5'-GTAACATTTTTCTTTTTCTATTTCTAGCAAATGCCAGATGTTAATGTAAGCTGGGATGGA[G>C]AGGGCCCAAAGCAACTGCCATTTATTGACATTTCAGTGGCTGTGGCAACAGATAAAGGCT-3'
Protein context (NP_003468.2, residues 343-363): MPDVNVSWDG[Glu353Gln]GPKQLPFIDI